The following is an entry in ClinVar:

ClinVar aggregate classification (germline): Uncertain significance. Review status: criteria provided, multiple submitters, no conflicts (2 of 4 stars). 2 submissions from 2 submitters: Uncertain significance (2). Last evaluated 2024-12-12.

Conditions:
Inborn genetic diseases. Identifiers: MedGen C0950123, MeSH D030342.

Allele frequency attached by ClinVar (database versions not stated): gnomAD exomes below 0.00001; TOPMed 0.00001.
gnomAD v4.1: 1 of 1,613,882 alleles (0.000062%); highest among the groups gnomAD compares: Non-Finnish European, 0.000085%; no homozygotes.

Submissions (2):

Ambry Genetics
Classification: Uncertain significance for Inborn genetic diseases. Last evaluated: 2024-12-12. Review status: criteria provided, single submitter. Criteria: Ambry Variant Classification Scheme 2023. Collection method: clinical testing. Allele origin: germline.

Labcorp Genetics (formerly Invitae), Labcorp
Classification: Uncertain significance. Last evaluated: 2024-02-01. Review status: criteria provided, single submitter. Criteria: Invitae Variant Classification Sherloc (09022015). Collection method: clinical testing. Allele origin: germline.
Comment: This sequence change replaces asparagine, which is neutral and polar, with serine, which is neutral and polar, at codon 1729 of the KMT2B protein (p.Asn1729Ser). This variant is present in population databases (no rsID available, gnomAD no frequency). This variant has not been reported in the literature in individuals affected with KMT2B-related conditions. Advanced modeling of protein sequence and biophysical properties (such as structural, functional, and spatial information, amino acid conservation, physicochemical variation, residue mobility, and thermodynamic stability) has been performed at Invitae for this missense variant, however the output from this modeling did not meet the statistical confidence thresholds required to predict the impact of this variant on KMT2B protein function. In summary, the available evidence is currently insufficient to determine the role of this variant in disease. Therefore, it has been classified as a Variant of Uncertain Significance.

NM_014727.3(KMT2B):c.5186A>G (p.Asn1729Ser)

Gene: KMT2B (lysine methyltransferase 2B; plus strand). Cytogenetic location: 19q13.12.
Variant type: single nucleotide variant.
Coding change: c.5186A>G on transcript NM_014727.3 (MANE Select); coding-DNA position 5186, A replaced by G.
Protein change: p.Asn1729Ser; replaces asparagine 1729 with serine.
Molecular consequence: missense variant.
Genome position (GRCh38, 1-based): chr19:35,730,451, A>G. VCF-style: chr19-35730451-A-G. GRCh37 (hg19) VCF-style: chr19-36221352-A-G.
Other names: c.5186A>G (NM_014727.1); short protein forms N1729S.
Identifiers: ClinVar variation 2862940 (VCV002862940.4), dbSNP rs1040660211, ClinGen allele CA307793306.